The following is an entry in ClinVar:

ClinVar aggregate classification (germline): Benign (1 of 4 stars; one submission).

Conditions:
Hereditary coproporphyria (HCP). Also called: Hereditary coproporphyria porphyria; Porphyria hepatica coproporphyria; Porphyria hepatica II; CPRO deficiency; COPROPORPHYRINOGEN OXIDASE DEFICIENCY; CPO DEFICIENCY. Identifiers: Orphanet 79273, MedGen C0162531, MONDO:0007369, OMIM 121300.

Allele frequency attached by ClinVar (database versions not stated): 1000 Genomes Project 0.00180; 1000 Genomes Project 30x 0.00281; gnomAD 0.00639 and 0.00666; TOPMed 0.00666; gnomAD exomes 0.00822.
gnomAD v4.1: 7,852 of 983,454 alleles (0.8%); highest among the groups gnomAD compares: Middle Eastern, 1.1%; 31 homozygotes.

Submission:

Illumina Laboratory Services, Illumina
Classification: Benign for Hereditary coproporphyria. Last evaluated: 2018-01-13. Review status: criteria provided, single submitter. Criteria: ICSL Variant Classification Criteria 13 December 2019. Collection method: clinical testing. Allele origin: germline.
Comment: This variant was observed in the ICSL laboratory as part of a predisposition screen in an ostensibly healthy population. It had not been previously curated by ICSL or reported in the Human Gene Mutation Database (HGMD: prior to June 1st, 2018), and was therefore a candidate for classification through an automated scoring system. Utilizing variant allele frequency, disease prevalence and penetrance estimates, and inheritance mode, an automated score was calculated to assess if this variant is too frequent to cause the disease. Based on the score and internal cut-off values, a variant classified as benign is not then subjected to further curation. The score for this variant resulted in a classification of benign for this disease.

NM_000097.7(CPOX):c.*1072C>T

Gene: CPOX (coproporphyrinogen oxidase; minus strand). Cytogenetic location: 3q11.2.
Variant type: single nucleotide variant.
Coding change: c.*1072C>T on transcript NM_000097.7 (MANE Select); 1072 bases downstream of the stop codon, C replaced by T.
Molecular consequence: 3 prime UTR variant.
Genome position (GRCh38, 1-based): chr3:98,579,611, G>A on the plus strand (C>T on the coding strand, the complement: CPOX is on the minus strand). VCF-style: chr3-98579611-G-A. GRCh37 (hg19) VCF-style: chr3-98298455-G-A.
Other names: c.*1072C>T (LRG_1077t1).
Identifiers: ClinVar variation 346953 (VCV000346953.5), dbSNP rs148251059, ClinGen allele CA10616806.